The following is an entry in ClinVar:

ClinVar aggregate classification (germline): Benign (1 of 4 stars; one submission).

Conditions:
Coffin-Siris syndrome. Identifiers: Orphanet 1465, MedGen C0265338, MONDO:0015452.

Allele frequency attached by ClinVar (database versions not stated): 1000 Genomes Project 30x 0.00141; 1000 Genomes Project 0.00160; gnomAD 0.00186 and 0.00189; TOPMed 0.00195; gnomAD exomes 0.00257.
gnomAD v4.1: 695 of 311,462 alleles (0.22%); highest among the groups gnomAD compares: Non-Finnish European, 0.35%; no homozygotes.

Submission:

Illumina Laboratory Services, Illumina
Classification: Benign for Coffin-Siris syndrome. Last evaluated: 2018-01-13. Review status: criteria provided, single submitter. Criteria: ICSL Variant Classification Criteria 13 December 2019. Collection method: clinical testing. Allele origin: germline.
Comment: This variant was observed in the ICSL laboratory as part of a predisposition screen in an ostensibly healthy population. It had not been previously curated by ICSL or reported in the Human Gene Mutation Database (HGMD: prior to June 1st, 2018), and was therefore a candidate for classification through an automated scoring system. Utilizing variant allele frequency, disease prevalence and penetrance estimates, and inheritance mode, an automated score was calculated to assess if this variant is too frequent to cause the disease. Based on the score and internal cut-off values, a variant classified as benign is not then subjected to further curation. The score for this variant resulted in a classification of benign for this disease.

NM_003072.5(SMARCA4):c.*401G>A

Gene: SMARCA4 (SWI/SNF related BAF chromatin remodeling complex subunit ATPase 4; plus strand). Cytogenetic location: 19p13.2.
Variant type: single nucleotide variant.
Coding change: c.*401G>A on transcript NM_003072.5 (MANE Select); 401 bases downstream of the stop codon, G replaced by A.
Molecular consequence: 3 prime UTR variant. On other transcripts: non-coding transcript variant (1).
Genome position (GRCh38, 1-based): chr19:11,062,217, G>A. VCF-style: chr19-11062217-G-A. GRCh37 (hg19) VCF-style: chr19-11172893-G-A.
Other names: c.*401G>A (NM_001128844.3, NM_001128845.2, NM_001128846.2 and 5 more transcripts).
Identifiers: ClinVar variation 328047 (VCV000328047.5), dbSNP rs559071626, ClinGen allele CA10651430.